The following is an entry in ClinVar:

NM_000257.4(MYH7):c.2169C>T (p.Arg723=)

Gene: MYH7 (myosin heavy chain 7; minus strand). Cytogenetic location: 14q11.2.
Variant type: single nucleotide variant.
Coding change: c.2169C>T on transcript NM_000257.4 (MANE Select); coding-DNA position 2169, C replaced by T.
Protein change: p.Arg723=; no amino-acid change (arginine 723 retained).
Molecular consequence: synonymous variant.
Genome position (GRCh38, 1-based): chr14:23,425,812, G>A on the plus strand (C>T on the coding strand, the complement: MYH7 is on the minus strand). VCF-style: chr14-23425812-G-A. GRCh37 (hg19) VCF-style: chr14-23895021-G-A.
Identifiers: ClinVar variation 1653525 (VCV001653525.9), dbSNP rs1372972912, ClinGen allele CA485767036.
Genomic context (GRCh38, chr14:23,425,812, plus strand): 5'-CTCTGCCCCCTTCCTGCTATCAATGAACTGTCCCTCAGGGATGGCCGCTGGGTTCAGGAT[G>A]CGATACCTGAGGAGGGAAGTGTCCAGAGTCACCCATGCTCTGCAGTGATCTGCTCTGCCC-3'
Protein context (NP_000248.2, residues 713-733): ILYGDFRQRY[Arg723=]ILNPAAIPEG

ClinVar aggregate classification (germline): Likely benign. Review status: criteria provided, multiple submitters, no conflicts (2 of 4 stars). 2 submissions from 2 submitters: Likely benign (2). Last evaluated 2025-12-18.

Conditions:
Hypertrophic cardiomyopathy. Also called: HYPERTROPHIC MYOCARDIOPATHY. Identifiers: Orphanet 217569, MedGen C0007194, MeSH D002312, MONDO:0005045, HP:0001639.
Cardiomyopathy (CMYO). Also called: Cardiomyopathies. Identifiers: Orphanet 167848, MedGen C0878544, MONDO:0004994, HP:0001638. Inheritance: Various modes of inheritance.

Allele frequency attached by ClinVar (database versions not stated): gnomAD exomes below 0.00001; TOPMed below 0.00001; gnomAD 0.00001.
gnomAD v4.1: 3 of 1,613,872 alleles (0.00019%); highest among the groups gnomAD compares: Admixed American, 0.005%; no homozygotes.

Submissions (2):

Labcorp Genetics (formerly Invitae), Labcorp
Classification: Likely benign for Hypertrophic cardiomyopathy. Last evaluated: 2025-12-18. Review status: criteria provided, single submitter. Criteria: Invitae Variant Classification Sherloc (09022015). Collection method: clinical testing. Allele origin: germline.

All of Us Research Program, National Institutes of Health
Classification: Likely benign for Cardiomyopathy. Last evaluated: 2024-09-23. Review status: criteria provided, single submitter. Criteria: ACMG Guidelines, 2015. Collection method: clinical testing. Allele origin: germline. Inheritance: Autosomal dominant inheritance. Observed: 3 variant alleles, 3 heterozygotes.
Comment: This study involves interpretation of variants in research participants for the purpose of population health screening. Participant phenotype was not available at the time of variant classification. Additional details can be found in publication PMID: 35346344, PMCID: PMC8962531